The following is an entry in ClinVar:

ClinVar aggregate classification (germline): Uncertain significance. Review status: criteria provided, multiple submitters, no conflicts (2 of 4 stars). 2 submissions from 2 submitters: Uncertain significance (2). Last evaluated 2024-12-06.

Conditions:
Hereditary cancer-predisposing syndrome. Also called: Neoplastic Syndromes, Hereditary; Tumor predisposition; Hereditary Cancer Syndrome; Hereditary neoplastic syndrome. Identifiers: Orphanet 140162, MedGen C0027672, MeSH D009386, MONDO:0015356.
Cardiovascular phenotype. Identifiers: MedGen CN230736.

Submissions (2):

Ambry Genetics
Classification: Uncertain significance for Cardiovascular phenotype; Hereditary cancer-predisposing syndrome. Last evaluated: 2024-12-06. Review status: criteria provided, single submitter. Criteria: Ambry Variant Classification Scheme 2023. Collection method: clinical testing. Allele origin: germline.
Comment: The p.T649K variant (also known as c.1946C>A), located in coding exon 17 of the LZTR1 gene, results from a C to A substitution at nucleotide position 1946. The threonine at codon 649 is replaced by lysine, an amino acid with similar properties. This amino acid position is well conserved in available vertebrate species. This alteration has been observed in at least one individual who has a personal or family history that is consistent with LZTR1-related schwannomatosis (Ambry internal data). In addition, the in silico prediction for this alteration is inconclusive. Since supporting evidence is limited at this time, the clinical significance of this alteration remains unclear.

Labcorp Genetics (formerly Invitae), Labcorp
Classification: Uncertain significance. Last evaluated: 2024-10-22. Review status: criteria provided, single submitter. Criteria: Invitae Variant Classification Sherloc (09022015). Collection method: clinical testing. Allele origin: germline.
Comment: This sequence change replaces threonine, which is neutral and polar, with lysine, which is basic and polar, at codon 649 of the LZTR1 protein (p.Thr649Lys). This variant is not present in population databases (gnomAD no frequency). This variant has not been reported in the literature in individuals affected with LZTR1-related conditions. ClinVar contains an entry for this variant (Variation ID: 1783128). Invitae Evidence Modeling of protein sequence and biophysical properties (such as structural, functional, and spatial information, amino acid conservation, physicochemical variation, residue mobility, and thermodynamic stability) indicates that this missense variant is not expected to disrupt LZTR1 protein function with a negative predictive value of 80%. In summary, the available evidence is currently insufficient to determine the role of this variant in disease. Therefore, it has been classified as a Variant of Uncertain Significance.

NM_006767.4(LZTR1):c.1946C>A (p.Thr649Lys)

Gene: LZTR1 (leucine zipper like post translational regulator 1; plus strand). Cytogenetic location: 22q11.21.
Variant type: single nucleotide variant.
Coding change: c.1946C>A on transcript NM_006767.4 (MANE Select); coding-DNA position 1946, C replaced by A.
Protein change: p.Thr649Lys; replaces threonine 649 with lysine.
Molecular consequence: missense variant.
Genome position (GRCh38, 1-based): chr22:20,995,749, C>A. VCF-style: chr22-20995749-C-A. GRCh37 (hg19) VCF-style: chr22-21350038-C-A.
Other names: short protein forms T649K.
Identifiers: ClinVar variation 1783128 (VCV001783128.4), dbSNP rs774401447, ClinGen allele CA410778931.